The following is an entry in ClinVar:

ClinVar aggregate classification (germline): Uncertain significance. Review status: criteria provided, multiple submitters, no conflicts (2 of 4 stars). 2 submissions from 2 submitters: Uncertain significance (2). Last evaluated 2026-06-17.

Conditions:
Inborn genetic diseases. Identifiers: MedGen C0950123, MeSH D030342.
Autosomal recessive severe congenital neutropenia due to CSF3R deficiency. Also called: Neutropenia, severe congenital, 7, autosomal recessive. Identifiers: Orphanet 420702, MedGen C4310764, MONDO:0014865, OMIM 617014.

Allele frequency attached by ClinVar (database versions not stated): gnomAD exomes below 0.00001; gnomAD 0.00001.
gnomAD v4.1: 6 of 1,607,872 alleles (0.00037%); highest among the groups gnomAD compares: South Asian, 0.0044%; no homozygotes.

Submissions (2):

Ambry Genetics
Classification: Uncertain significance for Inborn genetic diseases. Last evaluated: 2026-06-17. Review status: criteria provided, single submitter. Criteria: Ambry Variant Classification Scheme 2023. Collection method: clinical testing. Allele origin: germline.

Labcorp Genetics (formerly Invitae), Labcorp
Classification: Uncertain significance for Autosomal recessive severe congenital neutropenia due to CSF3R deficiency. Last evaluated: 2021-12-19. Review status: criteria provided, single submitter. Criteria: Invitae Variant Classification Sherloc (09022015). Collection method: clinical testing. Allele origin: germline.
Comment: This sequence change replaces methionine, which is neutral and non-polar, with isoleucine, which is neutral and non-polar, at codon 235 of the CSF3R protein (p.Met235Ile). In summary, the available evidence is currently insufficient to determine the role of this variant in disease. Therefore, it has been classified as a Variant of Uncertain Significance. Algorithms developed to predict the effect of sequence changes on RNA splicing suggest that this variant may create or strengthen a splice site. Algorithms developed to predict the effect of missense changes on protein structure and function (SIFT, PolyPhen-2, Align-GVGD) all suggest that this variant is likely to be tolerated. This variant has not been reported in the literature in individuals affected with CSF3R-related conditions. This variant is present in population databases (no rsID available, gnomAD 0.1%).

NM_000760.4(CSF3R):c.705G>A (p.Met235Ile)

Gene: CSF3R (colony stimulating factor 3 receptor; minus strand). Cytogenetic location: 1p34.3.
Variant type: single nucleotide variant.
Coding change: c.705G>A on transcript NM_000760.4 (MANE Select); coding-DNA position 705, G replaced by A.
Protein change: p.Met235Ile; replaces methionine 235 with isoleucine.
Molecular consequence: missense variant.
Genome position (GRCh38, 1-based): chr1:36,472,655, C>T on the plus strand (G>A on the coding strand, the complement: CSF3R is on the minus strand). VCF-style: chr1-36472655-C-T. GRCh37 (hg19) VCF-style: chr1-36938256-C-T.
Other names: c.705G>A (NM_000760.3); c.705G>A, p.Met235Ile (NM_156039.3, NM_172313.3); short protein forms M235I.
Identifiers: ClinVar variation 2048834 (VCV002048834.5), dbSNP rs1182988221, ClinGen allele CA339423219.